The following is an entry in ClinVar:

ClinVar aggregate classification (germline): Likely benign. Review status: criteria provided, single submitter (1 of 4 stars). 2 submissions from 2 submitters: Likely benign (1). 1 of the submissions does not count toward it. Last evaluated 2024-10-31.

Conditions:
FUT8-related disorder. Also called: FUT8-related condition.

Allele frequency attached by ClinVar (database versions not stated): gnomAD exomes 0.00001; TOPMed 0.00001; ExAC 0.00002.
gnomAD v4.1: 27 of 1,611,722 alleles (0.0017%); highest among the groups gnomAD compares: East Asian, 0.0067%; no homozygotes.

Submissions (2):

Blueprint Genetics
Classification: Likely benign. Last evaluated: 2024-10-31. Review status: criteria provided, single submitter. Criteria: ACMG Guidelines, 2015. Collection method: clinical testing. Allele origin: germline.

PreventionGenetics, part of Exact Sciences
Classification: Likely benign for FUT8-related condition. Last evaluated: 2020-02-17. Review status: no assertion criteria provided. Collection method: clinical testing. Allele origin: germline. Not counted in ClinVar's aggregate classification.
Comment: This variant is classified as likely benign based on ACMG/AMP sequence variant interpretation guidelines (Richards et al. 2015 PMID: 25741868, with internal and published modifications).

NM_001371533.1(FUT8):c.822T>G (p.Thr274=)

Gene: FUT8 (fucosyltransferase 8; plus strand). Cytogenetic location: 14q23.3.
Variant type: single nucleotide variant.
Coding change: c.822T>G on transcript NM_001371533.1 (MANE Select); coding-DNA position 822, T replaced by G.
Protein change: p.Thr274=; no amino-acid change (threonine 274 retained).
Molecular consequence: synonymous variant. On other transcripts: non-coding transcript variant (1).
Genome position (GRCh38, 1-based): chr14:65,669,467, T>G. VCF-style: chr14-65669467-T-G. GRCh37 (hg19) VCF-style: chr14-66136185-T-G.
Other names: c.822T>G, p.Thr274= (NM_001371534.1, NM_178155.3, NM_178156.2); c.924T>G, p.Thr308= (NM_001371536.1); c.333T>G, p.Thr111= (NM_004480.4).
Identifiers: ClinVar variation 3051670 (VCV003051670.3), dbSNP rs371271925, ClinGen allele CA7233317.